The following is an entry in ClinVar:

ClinVar aggregate classification (germline): Uncertain significance (1 of 4 stars; one submission).

Conditions:
ADAMTS9-related disorder. Also called: ADAMTS9-related condition.

Submission:

PreventionGenetics, part of Exact Sciences
Classification: Uncertain significance for ADAMTS9-related condition. Last evaluated: 2026-06-26. Review status: criteria provided, single submitter. Criteria: ACMG Guidelines, 2015. Collection method: clinical testing. Allele origin: germline.
Comment: The ADAMTS9 c.1654G>A variant is predicted to result in the amino acid substitution p.Gly552Ser. To our knowledge, this variant has not been reported in the literature or in a large population database (gnomAD), indicating this variant is rare. At this time, the clinical significance of this variant is uncertain due to the absence of conclusive functional and genetic evidence.

NM_182920.2(ADAMTS9):c.1654G>A (p.Gly552Ser)

Gene: ADAMTS9 (ADAM metallopeptidase with thrombospondin type 1 motif 9; minus strand). Cytogenetic location: 3p14.1.
Variant type: single nucleotide variant.
Coding change: c.1654G>A on transcript NM_182920.2 (MANE Select); coding-DNA position 1654, G replaced by A.
Protein change: p.Gly552Ser; replaces glycine 552 with serine.
Molecular consequence: missense variant.
Genome position (GRCh38, 1-based): chr3:64,647,996, C>T on the plus strand (G>A on the coding strand, the complement: ADAMTS9 is on the minus strand). VCF-style: chr3-64647996-C-T. GRCh37 (hg19) VCF-style: chr3-64633672-C-T.
Other names: c.1570G>A, p.Gly524Ser (NM_001318781.2); short protein forms G524S, G552S.
Identifiers: ClinVar variation 4982085 (VCV004982085.1).